The following is an entry in ClinVar:

ClinVar aggregate classification (germline): Likely benign. Review status: no assertion criteria provided (0 of 4 stars). 2 submissions from 2 submitters: Likely benign (2). Last evaluated 2021-11-18.

Conditions:
EBF3-related disorder. Identifiers: MedGen CN239924.
Intellectual disability. Also called: intellectual disabilities; Intellectual developmental disorder; Intellectual functioning disability. Identifiers: MedGen C3714756, MeSH D008607, MONDO:0001071, HP:0001249.

Allele frequency attached by ClinVar (database versions not stated): TOPMed 0.00002.
gnomAD v4.1: 43 of 1,613,430 alleles (0.0027%); highest among the groups gnomAD compares: Middle Eastern, 0.033%; no homozygotes.

Submissions (2):

PreventionGenetics, part of Exact Sciences
Classification: Likely benign for EBF3-related condition. Last evaluated: 2021-11-18. Review status: no assertion criteria provided. Collection method: clinical testing. Allele origin: germline.
Comment: This variant is classified as likely benign based on ACMG/AMP sequence variant interpretation guidelines (Richards et al. 2015 PMID: 25741868, with internal and published modifications).

Centre de Biologie Pathologie Génétique, Centre Hospitalier Universitaire de Lille
Classification: Likely benign for Intellectual disability. Last evaluated: 2019-01-01. Review status: no assertion criteria provided. Collection method: clinical testing. Allele origin: inherited. Affected: yes.

NM_001375380.1(EBF3):c.1038C>T (p.Thr346=)

Genes: EBF3 (EBF transcription factor 3; minus strand), EBF3-AS1 (EBF3 antisense RNA 1; plus strand). Cytogenetic location: 10q26.3.
Variant type: single nucleotide variant.
Coding change: c.1038C>T on transcript NM_001375380.1 (MANE Select); coding-DNA position 1038, C replaced by T.
Protein change: p.Thr346=; no amino-acid change (threonine 346 retained).
Molecular consequence: synonymous variant.
Genome position (GRCh38, 1-based): chr10:129,867,142, G>A on the plus strand (C>T on the coding strand, the complement: EBF3 is on the minus strand). VCF-style: chr10-129867142-G-A. GRCh37 (hg19) VCF-style: chr10-131665406-G-A.
Other names: c.1011C>T, p.Thr337= (NM_001005463.3, NM_001375390.1, NM_001375392.1); c.1038C>T, p.Thr346= (NM_001375379.1, NM_001375389.1, NM_001375391.1).
Identifiers: ClinVar variation 975541 (VCV000975541.3), dbSNP rs142165671, ClinGen allele CA5748547.